The following is an entry in ClinVar:

NM_001042492.3(NF1):c.6033A>G (p.Leu2011=)

Gene: NF1 (neurofibromin 1; plus strand). Cytogenetic location: 17q11.2.
Variant type: single nucleotide variant.
Coding change: c.6033A>G on transcript NM_001042492.3 (MANE Select); coding-DNA position 6033, A replaced by G.
Protein change: p.Leu2011=; no amino-acid change (leucine 2011 retained).
Molecular consequence: synonymous variant.
Genome position (GRCh38, 1-based): chr17:31,336,359, A>G. VCF-style: chr17-31336359-A-G. GRCh37 (hg19) VCF-style: chr17-29663377-A-G.
Other names: c.5970A>G, p.Leu1990= (NM_000267.4).
Identifiers: ClinVar variation 186544 (VCV000186544.53), dbSNP rs147995863, ClinGen allele CA195125.
Genomic context (GRCh38, chr17:31,336,359, plus strand): 5'-GATTAAAAACATGTTATTTTCCTTCTTCAACTAGATTACAGATCTGCTTGATGTTGTACT[A>G]GACAGTTTCATCAAAACCAGTGCAACAGGTGGCTTGGGATCAATAAAAGCTGAGGTGATG-3'
Protein context (NP_001035957.1, residues 2001-2021): GQITDLLDVV[Leu2011=]DSFIKTSATG

ClinVar aggregate classification (germline): Benign/Likely benign. Review status: criteria provided, multiple submitters, no conflicts (2 of 4 stars). 14 submissions from 11 submitters: Benign (3); Likely benign (10). 1 of the submissions does not count toward it. Last evaluated 2026-05-20.

Conditions:
NF1-related disorder. Also called: NF1-related condition. Identifiers: MedGen CN379171.
Hereditary cancer-predisposing syndrome. Also called: Tumor predisposition; Neoplastic Syndromes, Hereditary; Hereditary Cancer Syndrome; Hereditary neoplastic syndrome. Identifiers: Orphanet 140162, MedGen C0027672, MeSH D009386, MONDO:0015356.
Café-au-lait macules with pulmonary stenosis (WTSN). Also called: PULMONIC STENOSIS WITH CAFE-AU-LAIT SPOTS. Identifiers: MedGen C0553586, MONDO:0008672, OMIM 193520.
Neurofibromatosis-Noonan syndrome (NFNS). Also called: NEUROFIBROMATOSIS WITH NOONAN PHENOTYPE. Identifiers: Orphanet 638, MedGen C2931482, MONDO:0011035, OMIM 601321. Disease mechanism: loss of function.
Neurofibromatosis, familial spinal (FSNF). Identifiers: Orphanet 636, MedGen C1834235, MONDO:0008078, OMIM 162210. Disease mechanism: loss of function.
Neurofibromatosis, type 1 (NF1). Also called: Peripheral type neurofibromatosis; Neurofibromatosis, type I; NEUROFIBROMATOSIS, TYPE I, SOMATIC; VON RECKLINGHAUSEN DISEASE. Identifiers: Orphanet 636, MedGen C0027831, MONDO:0018975, OMIM 162200. Disease mechanism: loss of function.

Allele frequency attached by ClinVar (database versions not stated): gnomAD exomes 0.00003 and 0.00006; ExAC 0.00005; gnomAD 0.00006; TOPMed 0.00008; ESP Exome Variant Server 0.00015.
gnomAD v4.1: 46 of 1,614,060 alleles (0.0028%); highest among the groups gnomAD compares: East Asian, 0.042%; no homozygotes.

Submissions (14):

Myriad Genetics, Inc.
Classification: Benign for Neurofibromatosis, type 1. Last evaluated: 2026-05-20. Review status: criteria provided, single submitter. Criteria: Myriad Autosomal Dominant, Autosomal Recessive and X-Linked Classification Criteria (2023). Collection method: clinical testing. Allele origin: unknown.
Comment: This variant is considered benign. This variant is a silent/synonymous amino acid change and it is not expected to impact splicing.

Labcorp Genetics (formerly Invitae), Labcorp
Classification: Likely benign for Neurofibromatosis, type 1. Last evaluated: 2026-01-26. Review status: criteria provided, single submitter. Criteria: Invitae Variant Classification Sherloc (09022015). Collection method: clinical testing. Allele origin: germline.

Blueprint Genetics
Classification: Likely benign. Last evaluated: 2024-08-26. Review status: criteria provided, single submitter. Criteria: ACMG Guidelines, 2015. Collection method: clinical testing. Allele origin: germline.

CeGaT Center for Human Genetics Tuebingen
Classification: Likely benign. Last evaluated: 2023-01-01. Review status: criteria provided, single submitter. Criteria: CeGaT Center For Human Genetics Tuebingen Variant Classification Criteria Version 2. Collection method: clinical testing. Allele origin: germline. Affected: yes. Observed: 3 variant alleles.
Comment: NF1: BP4, BP7

Genome-Nilou Lab
Classification: Benign for Neurofibromatosis, type 1. Last evaluated: 2022-03-15. Review status: criteria provided, single submitter. Criteria: ACMG Guidelines, 2015. Collection method: clinical testing. Allele origin: germline. Affected: no.

GeneDx
Classification: Likely benign. Last evaluated: 2021-06-01. Review status: criteria provided, single submitter. Criteria: GeneDx Variant Classification Process June 2021. Collection method: clinical testing. Allele origin: germline. Affected: yes.

Sema4
Classification: Likely benign for Hereditary cancer-predisposing syndrome. Last evaluated: 2021-01-18. Review status: criteria provided, single submitter. Criteria: Sema4 Curation Guidelines. Collection method: curation. Allele origin: germline.

Genetic Services Laboratory, University of Chicago
Classification: Likely benign. Last evaluated: 2020-09-23. Review status: criteria provided, single submitter. Criteria: ACMG Guidelines, 2015. Collection method: clinical testing. Allele origin: germline. Affected: no.

Illumina Laboratory Services, Illumina
Classification: Likely benign for Neurofibromatosis, type 1. Last evaluated: 2018-01-13. Review status: criteria provided, single submitter. Criteria: ICSL Variant Classification Criteria 13 December 2019. Collection method: clinical testing. Allele origin: germline.
Comment: This variant was observed in the ICSL laboratory as part of a predisposition screen in an ostensibly healthy population. It had not been previously curated by ICSL or reported in the Human Gene Mutation Database (HGMD: prior to June 1st, 2018), and was therefore a candidate for classification through an automated scoring system. Utilizing variant allele frequency, disease prevalence and penetrance estimates, and inheritance mode, an automated score was calculated to assess if this variant is too frequent to cause the disease. Based on the score and internal cut-off values, a variant classified as likely benign is not then subjected to further curation. The score for this variant resulted in a classification of likely benign for this disease.

Illumina Laboratory Services, Illumina
Classification: Likely benign for Neurofibromatosis, familial spinal. Last evaluated: 2018-01-13. Review status: criteria provided, single submitter. Criteria: ICSL Variant Classification Criteria 13 December 2019. Collection method: clinical testing. Allele origin: germline.
Comment: the same text as in the submission from Illumina Laboratory Services, Illumina above.

Illumina Laboratory Services, Illumina
Classification: Likely benign for Café-au-lait macules with pulmonary stenosis. Last evaluated: 2018-01-13. Review status: criteria provided, single submitter. Criteria: ICSL Variant Classification Criteria 13 December 2019. Collection method: clinical testing. Allele origin: germline.
Comment: the same text as in the submission from Illumina Laboratory Services, Illumina above.

Illumina Laboratory Services, Illumina
Classification: Benign for Neurofibromatosis-Noonan syndrome. Last evaluated: 2018-01-13. Review status: criteria provided, single submitter. Criteria: ICSL Variant Classification Criteria 13 December 2019. Collection method: clinical testing. Allele origin: germline.
Comment: This variant was observed in the ICSL laboratory as part of a predisposition screen in an ostensibly healthy population. It had not been previously curated by ICSL or reported in the Human Gene Mutation Database (HGMD: prior to June 1st, 2018), and was therefore a candidate for classification through an automated scoring system. Utilizing variant allele frequency, disease prevalence and penetrance estimates, and inheritance mode, an automated score was calculated to assess if this variant is too frequent to cause the disease. Based on the score and internal cut-off values, a variant classified as benign is not then subjected to further curation. The score for this variant resulted in a classification of benign for this disease.

Ambry Genetics
Classification: Likely benign for Hereditary cancer-predisposing syndrome. Last evaluated: 2014-10-17. Review status: criteria provided, single submitter. Criteria: Ambry Autosomal Dominant and X-Linked criteria (10/2015). Collection method: clinical testing. Allele origin: germline. Observed: 1 variant allele.

PreventionGenetics, part of Exact Sciences
Classification: Likely benign for NF1-related condition. Last evaluated: 2022-03-10. Review status: no assertion criteria provided. Collection method: clinical testing. Allele origin: germline. Not counted in ClinVar's aggregate classification.
Comment: This variant is classified as likely benign based on ACMG/AMP sequence variant interpretation guidelines (Richards et al. 2015 PMID: 25741868, with internal and published modifications).